The following is an entry in ClinVar:

NM_001211.6(BUB1B):c.3056T>C (p.Met1019Thr)

Genes: BUB1B (BUB1 mitotic checkpoint serine/threonine kinase B; plus strand), BUB1B-PAK6 (BUB1B-PAK6 readthrough; plus strand). Cytogenetic location: 15q15.1.
Variant type: single nucleotide variant.
Coding change: c.3056T>C on transcript NM_001211.6 (MANE Select); coding-DNA position 3056, T replaced by C.
Protein change: p.Met1019Thr; replaces methionine 1019 with threonine.
Molecular consequence: missense variant. On other transcripts: intron variant (2).
Genome position (GRCh38, 1-based): chr15:40,220,662, T>C. VCF-style: chr15-40220662-T-C. GRCh37 (hg19) VCF-style: chr15-40512863-T-C.
Other names: c.-201+2995T>C (NM_001128628.3); c.-118+2995T>C (NM_001128629.3); short protein forms M1019T.
Identifiers: ClinVar variation 2565474 (VCV002565474.2), dbSNP rs2542594057, ClinGen allele CA391690009.

ClinVar aggregate classification (germline): Uncertain significance (1 of 4 stars; one submission).

Conditions:
Inborn genetic diseases. Identifiers: MedGen C0950123, MeSH D030342.

Submission:

Ambry Genetics
Classification: Uncertain significance for Inborn genetic diseases. Last evaluated: 2023-05-26. Review status: criteria provided, single submitter. Criteria: Ambry Variant Classification Scheme 2023. Collection method: clinical testing. Allele origin: germline.
Comment: The p.M1019T variant (also known as c.3056T>C), located in coding exon 23 of the BUB1B gene, results from a T to C substitution at nucleotide position 3056. The methionine at codon 1019 is replaced by threonine, an amino acid with similar properties. This amino acid position is conserved. In addition, this alteration is predicted to be tolerated by in silico analysis. Since supporting evidence is limited at this time, the clinical significance of this alteration remains unclear.